The following is an entry in ClinVar:

ClinVar aggregate classification (germline): Uncertain significance (1 of 4 stars; one submission).

Submission:

Labcorp Genetics (formerly Invitae), Labcorp
Classification: Uncertain significance. Last evaluated: 2023-10-17. Review status: criteria provided, single submitter. Criteria: Invitae Variant Classification Sherloc (09022015). Collection method: clinical testing. Allele origin: germline.
Comment: This sequence change falls in intron 5 of the FGD1 gene. It does not directly change the encoded amino acid sequence of the FGD1 protein. It affects a nucleotide within the consensus splice site. This variant is not present in population databases (gnomAD no frequency). This variant has not been reported in the literature in individuals affected with FGD1-related conditions. Variants that disrupt the consensus splice site are a relatively common cause of aberrant splicing (PMID: 17576681, 9536098). Algorithms developed to predict the effect of sequence changes on RNA splicing suggest that this variant is not likely to affect RNA splicing. In summary, the available evidence is currently insufficient to determine the role of this variant in disease. Therefore, it has been classified as a Variant of Uncertain Significance.

Literature cited by the submitters: PubMed 17576681; PubMed 9536098.

NM_004463.3(FGD1):c.1191+6T>G

Gene: FGD1 (FYVE, RhoGEF and PH domain containing 1; minus strand). Cytogenetic location: Xp11.22.
Variant type: single nucleotide variant.
Coding change: c.1191+6T>G on transcript NM_004463.3 (MANE Select); 6 bases into the intron after coding-DNA position 1191, T replaced by G.
Molecular consequence: intron variant.
Genome position (GRCh38, 1-based): chrX:54,468,781, A>C on the plus strand (T>G on the coding strand, the complement: FGD1 is on the minus strand). VCF-style: chrX-54468781-A-C. GRCh37 (hg19) VCF-style: chrX-54495214-A-C.
Identifiers: ClinVar variation 2739831 (VCV002739831.3), dbSNP rs2522713105, ClinGen allele CA2697553139.